The following is an entry in ClinVar:

NM_001042492.3(NF1):c.7609T>C (p.Leu2537=)

Gene: NF1 (neurofibromin 1; plus strand). Cytogenetic location: 17q11.2.
Variant type: single nucleotide variant.
Coding change: c.7609T>C on transcript NM_001042492.3 (MANE Select); coding-DNA position 7609, T replaced by C.
Protein change: p.Leu2537=; no amino-acid change (leucine 2537 retained).
Molecular consequence: synonymous variant.
Genome position (GRCh38, 1-based): chr17:31,352,408, T>C. VCF-style: chr17-31352408-T-C. GRCh37 (hg19) VCF-style: chr17-29679426-T-C.
Other names: c.7546T>C, p.Leu2516= (NM_000267.4).
Identifiers: ClinVar variation 230704 (VCV000230704.15), dbSNP rs748843392, ClinGen allele CA8487613.

ClinVar aggregate classification (germline): Benign/Likely benign. Review status: criteria provided, multiple submitters, no conflicts (2 of 4 stars). 4 submissions from 4 submitters: Benign (1); Likely benign (3). Last evaluated 2026-09-23.

Conditions:
Hereditary cancer-predisposing syndrome. Also called: Hereditary Cancer Syndrome; Tumor predisposition; Hereditary neoplastic syndrome; Neoplastic Syndromes, Hereditary. Identifiers: Orphanet 140162, MedGen C0027672, MeSH D009386, MONDO:0015356.
Neurofibromatosis, type 1 (NF1). Also called: Peripheral type neurofibromatosis; Neurofibromatosis, type I; VON RECKLINGHAUSEN DISEASE; NEUROFIBROMATOSIS, TYPE I, SOMATIC. Identifiers: Orphanet 636, MedGen C0027831, MONDO:0018975, OMIM 162200. Disease mechanism: loss of function.

Allele frequency attached by ClinVar (database versions not stated): gnomAD exomes below 0.00001; ExAC 0.00001.

Submissions (4):

Myriad Genetics, Inc.
Classification: Benign for Neurofibromatosis, type 1. Last evaluated: 2026-09-23. Review status: criteria provided, single submitter. Criteria: Myriad Autosomal Dominant, Autosomal Recessive and X-Linked Classification Criteria (2023). Collection method: clinical testing. Allele origin: unknown.
Comment: This variant is considered benign. This variant is a silent/synonymous amino acid change and it is not expected to impact splicing.

Labcorp Genetics (formerly Invitae), Labcorp
Classification: Likely benign for Neurofibromatosis, type 1. Last evaluated: 2024-07-22. Review status: criteria provided, single submitter. Criteria: Invitae Variant Classification Sherloc (09022015). Collection method: clinical testing. Allele origin: germline.

Genome-Nilou Lab
Classification: Likely benign for Neurofibromatosis, type 1. Last evaluated: 2022-03-15. Review status: criteria provided, single submitter. Criteria: ACMG Guidelines, 2015. Collection method: clinical testing. Allele origin: germline. Affected: no.

Ambry Genetics
Classification: Likely benign for Hereditary cancer-predisposing syndrome. Last evaluated: 2015-03-05. Review status: criteria provided, single submitter. Criteria: Ambry Autosomal Dominant and X-Linked criteria (10/2015). Collection method: clinical testing. Allele origin: germline. Observed: 1 variant allele.